The following is an entry in ClinVar:

NM_021942.6(TRAPPC11):c.2638G>T (p.Val880Leu)

Gene: TRAPPC11 (trafficking protein particle complex subunit 11; plus strand). Cytogenetic location: 4q35.1.
Variant type: single nucleotide variant.
Coding change: c.2638G>T on transcript NM_021942.6 (MANE Select); coding-DNA position 2638, G replaced by T.
Protein change: p.Val880Leu; replaces valine 880 with leucine.
Molecular consequence: missense variant.
Genome position (GRCh38, 1-based): chr4:183,697,512, G>T. VCF-style: chr4-183697512-G-T. GRCh37 (hg19) VCF-style: chr4-184618665-G-T.
Other names: c.2638G>T, p.Val880Leu (NM_199053.3); short protein forms V880L.
Identifiers: ClinVar variation 1382716 (VCV001382716.8), dbSNP rs1370193464, ClinGen allele CA358872515.

ClinVar aggregate classification (germline): Uncertain significance (1 of 4 stars; one submission).

Conditions:
Autosomal recessive limb-girdle muscular dystrophy type R18 (LGMDR18). Also called: MUSCULAR DYSTROPHY, LIMB-GIRDLE, AUTOSOMAL RECESSIVE 18; Autosomal recessive limb-girdle muscular dystrophy type 2S; Limb-girdle muscular dystrophy, type 2S. Identifiers: Orphanet 369840, MedGen C4517996, MONDO:0014144, OMIM 615356.

Allele frequency attached by ClinVar (database versions not stated): gnomAD 0.00001; gnomAD exomes 0.00001.
gnomAD v4.1: 17 of 1,598,496 alleles (0.0011%); highest among the groups gnomAD compares: Non-Finnish European, 0.0014%; no homozygotes.

Submission:

Labcorp Genetics (formerly Invitae), Labcorp
Classification: Uncertain significance for Autosomal recessive limb-girdle muscular dystrophy type R18. Last evaluated: 2021-04-15. Review status: criteria provided, single submitter. Criteria: Invitae Variant Classification Sherloc (09022015). Collection method: clinical testing. Allele origin: germline.
Comment: This sequence change replaces valine with leucine at codon 880 of the TRAPPC11 protein (p.Val880Leu). The valine residue is highly conserved and there is a small physicochemical difference between valine and leucine. This variant is not present in population databases (ExAC no frequency). This variant has not been reported in the literature in individuals with TRAPPC11-related conditions. Algorithms developed to predict the effect of missense changes on protein structure and function are either unavailable or do not agree on the potential impact of this missense change (SIFT: "Tolerated"; PolyPhen-2: "Possibly Damaging"; Align-GVGD: "Class C0"). In summary, the available evidence is currently insufficient to determine the role of this variant in disease. Therefore, it has been classified as a Variant of Uncertain Significance.